The following is an entry in ClinVar:

NM_000051.4(ATM):c.7638_7646del (p.Arg2547_Ser2549del)

Genes: ATM (ATM serine/threonine kinase; plus strand), C11orf65 (chromosome 11 open reading frame 65; minus strand). Cytogenetic location: 11q22.3.
Variant type: Deletion.
Coding change: c.7638_7646del on transcript NM_000051.4 (MANE Select); coding-DNA positions 7638 to 7646, 9 bases deleted (TAGAATTTC; older notation c.7638_7646delTAGAATTTC).
Protein change: p.Arg2547_Ser2549del.
Molecular consequence: inframe deletion. On other transcripts: intron variant (2).
Genome position (GRCh38, 1-based): chr11:108,331,887-108,331,895, TAGAATTTC deleted; deleting any 9 consecutive bases within chr11:108,331,885-108,331,895 gives the same sequence; the c. name uses the placement nearest the transcript's 3' end. VCF-style (leftmost placement, unchanged base first): chr11-108331884-CTCTAGAATT-C. GRCh37 (hg19) VCF-style: chr11-108202611-CTCTAGAATT-C.
Other names: 7637del9; delSRI; c.7638_7646del, p.Arg2547_Ser2549del (NM_001351834.2); c.641-22822_641-22814del (NM_001330368.2); c.*38+3327_*38+3335del (NM_001351110.2); c.7638_7646delTAGAATTTC (NM_000051.4).
Identifiers: ClinVar variation 3019 (VCV000003019.117), dbSNP rs587776547, ClinGen allele CA115924.
Genomic context (GRCh38, chr11:108,331,884, plus strand): 5'-TATGGATTATATTTTTTTGTTTATTTGCATAAATCTAATAGTTCTTTTCTTACAGCTAAT[CTCTAGAATT>C]TCAATGGATCACCCCCATCACACTTTGTTTATTATACTGGCCTTAGCAAATGCAAACAGA-3'

ClinVar aggregate classification (germline): Pathogenic/Likely pathogenic. Review status: criteria provided, multiple submitters, no conflicts (2 of 4 stars). 32 submissions from 30 submitters: Pathogenic (22); Likely pathogenic (3). 7 of the submissions do not count toward it. Last evaluated 2026-07-27.

Conditions:
ATM-related cancer predisposition. Also called: ATM-related cancer susceptibility. Identifiers: MedGen CN377759, MONDO:0700270.
ATM-related disorder. Also called: ATM-related disorders; ATM-related condition.
Hereditary cancer-predisposing syndrome. Also called: Neoplastic Syndromes, Hereditary; Tumor predisposition; Hereditary Cancer Syndrome; Hereditary neoplastic syndrome. Identifiers: Orphanet 140162, MedGen C0027672, MeSH D009386, MONDO:0015356.
Breast and/or ovarian cancer. Identifiers: MedGen CN221562.
Breast neoplasm. Also called: Neoplasm of the breast; Neoplasm of breast; Breast tumor; Breast Neoplasms. Identifiers: MedGen C1458155, MeSH D001943, MONDO:0021100, HP:0100013. Disease mechanism: gain of function.
Familial cancer of breast. Also called: Hereditary breast cancer; BREAST CANCER, FAMILIAL; hereditary breast carcinoma. Identifiers: Orphanet 227535, MedGen C0346153, MONDO:0016419, OMIM 114480. Disease mechanism: loss of function.
T-cell prolymphocytic leukemia. Identifiers: Orphanet 86871, MedGen C2363142, MONDO:0019468.
Ataxia-telangiectasia syndrome (AT). Also called: Ataxia-telangiectasia, complementation group E; LOUIS-BAR SYNDROME; AT, COMPLEMENTATION GROUP C; Cerebello-oculocutaneous telangiectasia; Immunodeficiency with ataxia telangiectasia; ATAXIA-TELANGIECTASIA, COMPLEMENTATION GROUP A. Identifiers: Orphanet 100, MedGen C0004135, MONDO:0008840, OMIM 208900.
Malignant tumor of breast. Also called: Malignant breast neoplasm; Cancer breast. Identifiers: MedGen C0006142, MONDO:0007254. Disease mechanism: loss of function.

Submissions 1 to 9 of 32:

PreventionGenetics, part of Exact Sciences
Classification: Pathogenic for ATM-related condition. Last evaluated: 2026-07-27. Review status: criteria provided, single submitter. Criteria: ACMG Guidelines, 2015. Collection method: clinical testing. Allele origin: germline.
Comment: The ATM c.7638_7646del9 variant is predicted to result in an in-frame deletion (p.Arg2547_Ser2549del). This variant is also known in the literature as c.7636del9. This variant has been reported in the homozygous state or with a second ATM variant in individuals with ataxia telangiectasia (see, for example: Gilad et al. 1996. PubMed ID: 8845835; Buzin et al. 2003. PubMed ID: 12552559; Carney et al. 2012. PubMed ID: 22649200). It has also been reported in the heterozygous state in individuals with prostate cancer (Supplemental Table 1, Na et al. 2017. PubMed ID: 27989354), pancreatic cancer (eTable 3, Hu et al. 2018. PubMed ID: 29922827), and breast cancer (Vorechovský et al. 1996. PubMed ID: 8797579; eTable 12, Lu et al. 2019. PubMed ID: 30128536). This variant has been described as a founder variant in individuals from the British Isles (Stankovic et al. 1998. PubMed ID: 9463314). Experimental studies indicate this variant leads to a loss of kinase activity (Stewart et al. 2001. PubMed ID: 11382771; Barone et al. 2009. PubMed ID: 19431188; Keimling et al. 2011. PubMed ID: 21778326). This variant is reported in 0.0062% of alleles in individuals of African descent in gnomAD and is interpreted as likely pathogenic or pathogenic in ClinVar (Variation ID: 3019). This variant is interpreted as pathogenic.

Institute of Human Genetics, University of Leipzig Medical Center
Classification: Pathogenic for Familial cancer of breast. Last evaluated: 2026-03-20. Review status: criteria provided, single submitter. Criteria: ACMG Guidelines, 2015. Collection method: clinical testing. Allele origin: maternal. Inheritance: Autosomal dominant inheritance. Affected: yes.
Comment: Criteria applied: PM3_VSTR,PS3_MOD

Labcorp Genetics (formerly Invitae), Labcorp
Classification: Pathogenic for Ataxia-telangiectasia syndrome. Last evaluated: 2026-01-25. Review status: criteria provided, single submitter. Criteria: Invitae Variant Classification Sherloc (09022015). Collection method: clinical testing. Allele origin: germline.
Comment: This variant, c.7638_7646del, results in the deletion of 3 amino acid(s) of the ATM protein (p.Arg2547_Ser2549del), but otherwise preserves the integrity of the reading frame. This variant is present in population databases (rs587776547, gnomAD 0.007%). This variant has been observed in individuals with breast cancer and ataxia-telangiectasia (PMID: 7792600, 8797579, 11382771, 12552559, 21787400, 22649200). This variant is also known as 7636del9 and 7638del9. ClinVar contains an entry for this variant (Variation ID: 3019). Algorithms developed to predict the effect of variants on gene product structure and function are not available or were not evaluated for this variant. Experimental studies have shown that this variant affects ATM function (PMID: 11382771, 12195425, 19431188, 22649200). For these reasons, this variant has been classified as Pathogenic.

Natera, Inc.
Classification: Pathogenic for Ataxia-telangiectasia. Last evaluated: 2025-12-03. Review status: criteria provided, single submitter. Criteria: Natera Variant Classification Schema (03/2026). Collection method: clinical testing. Allele origin: germline.
Comment: The c.7638_7646delTAGAATTTC variant in ATM is an in-frame deletion predicted to remove arginine at amino acid 2547 while preserving the reading frame. This variant is rare in the general population with a frequency below the threshold expected for the associated phenotype(s). This variant has been observed in one or more individuals affected with the associated recessive disease, as either homozygous or compound heterozygous with a second variant (PMID: 26896183). Given the available evidence, this variant is classified as Pathogenic.

Molecular Pathology, Peter Maccallum Cancer Centre
Classification: Pathogenic for Ataxia-telangiectasia syndrome. Last evaluated: 2025-06-10. Review status: criteria provided, single submitter. Criteria: ACMG Guidelines, 2015. Collection method: clinical testing. Allele origin: germline. Inheritance: Autosomal recessive inheritance.

Color Diagnostics, LLC DBA Color Health
Classification: Pathogenic for Hereditary cancer-predisposing syndrome. Last evaluated: 2025-03-31. Review status: criteria provided, single submitter. Criteria: ACMG Guidelines, 2015. Collection method: clinical testing. Allele origin: germline.
Comment: This variant causes an in-frame deletion of 3 amino acids in the ATM protein. This variant is also known as 7636del9, 7637del9 and delSRI in the literature. Functional studies have reported the mutant protein to show a severely defective kinase activity (PMID: 11382771, 19431188, 21778326, 22649200). This variant has been reported in over ten heterozygous individuals affected with breast cancer (PMID: 9288106, 16652348, 21787400; Color internal data) and pancreatic cancer (PMID: 33439686; Color internal data). This variant has been observed in homozygous and compound heterozygous states in over a dozen individuals affected with autosomal recessive ataxia-telangiectasia, indicating that this variant contributes to disease (PMID: 7792600, 8755918, 8845835, 8808599, 9443866, 9463314, 10817650). This variant is reported to be a founder mutation in individuals of Irish and British ancestry (PMID: 9443866, 9463314). This variant has been identified in 7/251148 chromosomes in the general population by the Genome Aggregation Database (gnomAD). Based on the available evidence, this variant is classified as Pathogenic.

St. Jude Molecular Pathology, St. Jude Children's Research Hospital
Classification: Pathogenic for Ataxia-telangiectasia syndrome. Last evaluated: 2025-02-05. Review status: criteria provided, single submitter. Criteria: St. Jude Assertion Criteria 2020. Collection method: clinical testing. Allele origin: germline.
Comment: The ATM c.7638_7646del p.(Arg2547_Ser2549del) change deletes nine nucleotides at position 7638 to 7646 resulting in an in-frame deletion of three amino acid residues at codon 2547 to 2549. This variant has a maximum subpopulation frequency of 0.006% in gnomAD v2.1.1. This variant has been reported in several individuals with ataxia telangiectasia (PMID: 12552559, 21665257, 21792198, 22649200, 26896183). Functional studies have shown that this variant results in no detectable kinase activity (PMID: 19431188). In summary, this variant meets criteria to be classified as pathogenic.

Athena Diagnostics
Classification: Pathogenic. Last evaluated: 2024-11-08. Review status: criteria provided, single submitter. Criteria: Athena Diagnostics Criteria. Collection method: clinical testing. Allele origin: unknown.
Comment: The frequency of this variant in the general population is consistent with pathogenicity. This variant has been identified in multiple unrelated individuals with ataxia-telangiectasia. Assessment of experimental evidence suggests this variant results in abnormal protein function. PMID: 19431188

Blueprint Genetics
Classification: Pathogenic for ATM-related disorders. Last evaluated: 2024-10-29. Review status: criteria provided, single submitter. Criteria: ACMG Guidelines, 2015. Collection method: clinical testing. Allele origin: germline. Affected: yes. Observed: 5 variant alleles.